The following is an entry in ClinVar:

NM_000171.4(GLRA1):c.381dup (p.Phe128fs)

Gene: GLRA1 (glycine receptor alpha 1; minus strand). Cytogenetic location: 5q33.1.
Variant type: Duplication.
Coding change: c.381dup on transcript NM_000171.4 (MANE Select); coding-DNA position 381, one base duplicated (C; older notation c.381dupC).
Protein change: p.Phe128fs; shifts the reading frame from phenylalanine 128.
Molecular consequence: frameshift variant.
Genome position (GRCh38, 1-based): chr5:151,859,880, G duplicated on the plus strand (C on the coding strand, the reverse complement: GLRA1 is on the minus strand). VCF-style (leftmost placement, unchanged base first): chr5-151859879-A-AG. GRCh37 (hg19) VCF-style: chr5-151239440-A-AG.
Other names: c.381dup, p.Phe128fs (NM_001146040.2); c.132dup, p.Phe45fs (NM_001292000.2); short protein forms F128fs, F45fs.
Identifiers: ClinVar variation 2045456 (VCV002045456.4), dbSNP rs2479991264, ClinGen allele CA2580073917.

ClinVar aggregate classification (germline): Pathogenic (1 of 4 stars; one submission).

Conditions:
Hereditary hyperekplexia. Identifiers: Orphanet 3197, MedGen C4084968, MONDO:0021022.

Submission:

Labcorp Genetics (formerly Invitae), Labcorp
Classification: Pathogenic for Hereditary hyperekplexia. Last evaluated: 2022-07-18. Review status: criteria provided, single submitter. Criteria: Invitae Variant Classification Sherloc (09022015). Collection method: clinical testing. Allele origin: germline.
Comment: For these reasons, this variant has been classified as Pathogenic. This variant has not been reported in the literature in individuals affected with GLRA1-related conditions. This sequence change creates a premature translational stop signal (p.Phe128Leufs*11) in the GLRA1 gene. It is expected to result in an absent or disrupted protein product. Loss-of-function variants in GLRA1 are known to be pathogenic (PMID: 20631190, 24108130). This variant is not present in population databases (gnomAD no frequency).

Literature cited by the submitters: PubMed 20631190; PubMed 24108130.